The following is an entry in ClinVar:

NM_018082.6(POLR3B):c.1464+3A>G

Gene: POLR3B (RNA polymerase III subunit B; plus strand). Cytogenetic location: 12q23.3.
Variant type: single nucleotide variant.
Coding change: c.1464+3A>G on transcript NM_018082.6 (MANE Select); 3 bases into the intron after coding-DNA position 1464, A replaced by G.
Molecular consequence: intron variant.
Genome position (GRCh38, 1-based): chr12:106,430,476, A>G. VCF-style: chr12-106430476-A-G. GRCh37 (hg19) VCF-style: chr12-106824254-A-G.
Other names: c.1290+3A>G (NM_001160708.2).
Identifiers: ClinVar variation 2249347 (VCV002249347.3), dbSNP rs376335255, ClinGen allele CA6761944.

ClinVar aggregate classification (germline): Uncertain significance. Review status: criteria provided, multiple submitters, no conflicts (2 of 4 stars). 2 submissions from 2 submitters: Uncertain significance (2). Last evaluated 2025-07-18.

Conditions:
Inborn genetic diseases. Identifiers: MedGen C0950123, MeSH D030342.
POLR3B-related disorder. Also called: POLR3B-related condition; POLR3B-related disorders. Identifiers: MedGen CN378588, MONDO:0700277.

Allele frequency attached by ClinVar (database versions not stated): gnomAD exomes 0.00001; ExAC 0.00003; TOPMed 0.00005; gnomAD 0.00006; ESP Exome Variant Server 0.00015.
gnomAD v4.1: 26 of 1,610,282 alleles (0.0016%); highest among the groups gnomAD compares: African/African-American, 0.025%; no homozygotes.

Submissions (2):

PreventionGenetics, part of Exact Sciences
Classification: Uncertain significance for POLR3B-related condition. Last evaluated: 2025-07-18. Review status: criteria provided, single submitter. Criteria: ACMG Guidelines, 2015. Collection method: clinical testing. Allele origin: germline.
Comment: The POLR3B c.1464+3A>G variant is predicted to interfere with splicing. To our knowledge, this variant has not been reported in the literature. This variant is present in 0.0062% of alleles in individuals of African descent in gnomAD. At this time, the clinical significance of this variant is uncertain due to the absence of conclusive functional and genetic evidence.

Ambry Genetics
Classification: Uncertain significance for Inborn genetic diseases. Last evaluated: 2022-08-01. Review status: criteria provided, single submitter. Criteria: Ambry Variant Classification Scheme 2023. Collection method: clinical testing. Allele origin: germline.
Comment: The c.1464+3A>G intronic alteration consists of a A to G substitution nucleotides after coding exon 14 in the POLR3B gene. Based on insufficient or conflicting evidence, the clinical significance of this alteration remains unclear.